The following is an entry in ClinVar:

ClinVar aggregate classification (germline): Conflicting classifications of pathogenicity. Review status: criteria provided, conflicting classifications (1 of 4 stars). 2 submissions from 2 submitters: Uncertain significance (1); Likely benign (1). Last evaluated 2023-11-20.

Conditions:
Inborn genetic diseases. Identifiers: MedGen C0950123, MeSH D030342.
Glycine encephalopathy. Also called: Nonketotic hyperglycinemia; Non-ketotic hyperglycinemia. Identifiers: Orphanet 407, MedGen C0751748, MONDO:0011612, HP:0008288.

Allele frequency attached by ClinVar (database versions not stated): gnomAD exomes below 0.00001.
gnomAD v4.1: 1 of 1,576,044 alleles (0.000063%); highest among the groups gnomAD compares: Non-Finnish European, 0.000087%; no homozygotes.

Submissions (2):

Ambry Genetics
Classification: Uncertain significance for Inborn genetic diseases. Last evaluated: 2023-11-20. Review status: criteria provided, single submitter. Criteria: Ambry Variant Classification Scheme 2023. Collection method: clinical testing. Allele origin: germline.
Comment: The c.636-6C>T intronic alteration consists of a C to T substitution 6 nucleotides before coding exon 5 in the GLDC gene. Based on insufficient or conflicting evidence, the clinical significance of this alteration remains unclear.

Labcorp Genetics (formerly Invitae), Labcorp
Classification: Likely benign for Glycine encephalopathy. Last evaluated: 2021-03-24. Review status: criteria provided, single submitter. Criteria: Invitae Variant Classification Sherloc (09022015). Collection method: clinical testing. Allele origin: germline.

NM_000170.3(GLDC):c.636-6C>T

Gene: GLDC (glycine decarboxylase; minus strand). Cytogenetic location: 9p24.1.
Variant type: single nucleotide variant.
Coding change: c.636-6C>T on transcript NM_000170.3 (MANE Select); 6 bases into the intron before coding-DNA position 636, C replaced by T.
Molecular consequence: intron variant.
Genome position (GRCh38, 1-based): chr9:6,606,675, G>A on the plus strand (C>T on the coding strand, the complement: GLDC is on the minus strand). VCF-style: chr9-6606675-G-A. GRCh37 (hg19) VCF-style: chr9-6606675-G-A.
Other names: c.636-6C>T (NM_000170.2).
Identifiers: ClinVar variation 1637507 (VCV001637507.9), dbSNP rs2129903875, ClinGen allele CA2573144510.
Genomic context (GRCh38, chr9:6,606,675, plus strand): 5'-TATTGTCTGTGGGTGGCAACGGGGATCAACGAGAAATTTCCTCCTCTTGTTGTGTCTGTT[G>A]AAAAGAAAAAGCACATTCCAACGTGAACATTAAATAAATAGGACTATCTTCTAAGAACGC-3'